The following is an entry in ClinVar:

ClinVar aggregate classification (germline): Uncertain significance (1 of 4 stars; one submission).

Conditions:
WNK4-related disorder. Also called: WNK4-related condition.

gnomAD v4.1: 3 of 1,581,002 alleles (0.00019%); highest among the groups gnomAD compares: Non-Finnish European, 0.00026%; no homozygotes.

Submission:

PreventionGenetics, part of Exact Sciences
Classification: Uncertain significance for WNK4-related condition. Last evaluated: 2025-07-11. Review status: criteria provided, single submitter. Criteria: ACMG Guidelines, 2015. Collection method: clinical testing. Allele origin: germline.
Comment: The WNK4 c.1394G>C variant is predicted to result in the amino acid substitution p.Gly465Ala. To our knowledge, this variant has not been reported in the literature or in a large population database (gnomAD), indicating this variant is rare. At this time, the clinical significance of this variant is uncertain due to the absence of conclusive functional and genetic evidence.

NM_032387.5(WNK4):c.1394G>C (p.Gly465Ala)

Gene: WNK4 (WNK lysine deficient protein kinase 4; plus strand). Cytogenetic location: 17q21.2.
Variant type: single nucleotide variant.
Coding change: c.1394G>C on transcript NM_032387.5 (MANE Select); coding-DNA position 1394, G replaced by C.
Protein change: p.Gly465Ala; replaces glycine 465 with alanine.
Molecular consequence: missense variant.
Genome position (GRCh38, 1-based): chr17:42,785,400, G>C. VCF-style: chr17-42785400-G-C. GRCh37 (hg19) VCF-style: chr17-40937418-G-C.
Other names: c.386G>C, p.Gly129Ala (NM_001321299.2); short protein forms G129A, G465A.
Identifiers: ClinVar variation 4999157 (VCV004999157.1).